The following is an entry in ClinVar:

NM_001082538.3(TCTN1):c.822+235T>C

Gene: TCTN1 (tectonic family member 1; plus strand). Cytogenetic location: 12q24.11.
Variant type: single nucleotide variant.
Coding change: c.822+235T>C on transcript NM_001082538.3 (MANE Select); 235 bases into the intron after coding-DNA position 822, T replaced by C.
Molecular consequence: intron variant.
Genome position (GRCh38, 1-based): chr12:110,635,014, T>C. VCF-style: chr12-110635014-T-C. GRCh37 (hg19) VCF-style: chr12-111072819-T-C.
Other names: c.654+235T>C (NM_001173975.3); c.642+235T>C (NM_001173976.2); c.288+235T>C (NM_001319681.2); c.780+551T>C (NM_024549.6); c.822+235T>C (NM_001082537.3, NM_001319680.2).
Identifiers: ClinVar variation 674414 (VCV000674414.1), dbSNP rs11065685, ClinGen allele CA243561556.

ClinVar aggregate classification (germline): Benign (1 of 4 stars; one submission).

Allele frequency attached by ClinVar (database versions not stated): gnomAD 0.01916 and 0.02057; 1000 Genomes Project 0.02057; TOPMed 0.02086; 1000 Genomes Project 30x 0.02124.
gnomAD v4.1: 2,889 of 152,320 alleles (1.9%); highest among the groups gnomAD compares: African/African-American, 6.6%; 75 homozygotes.

Submission:

GeneDx
Classification: Benign. Last evaluated: 2018-06-16. Review status: criteria provided, single submitter. Criteria: GeneDx Variant Classification (06012015). Collection method: clinical testing. Allele origin: germline. Affected: yes.
Comment: This variant is considered likely benign or benign based on one or more of the following criteria: it is a conservative change, it occurs at a poorly conserved position in the protein, it is predicted to be benign by multiple in silico algorithms, and/or has population frequency not consistent with disease.